The following is an entry in ClinVar:

ClinVar aggregate classification (germline): Pathogenic (1 of 4 stars; one submission).

Submission:

Labcorp Genetics (formerly Invitae), Labcorp
Classification: Pathogenic. Last evaluated: 2021-08-02. Review status: criteria provided, single submitter. Criteria: Invitae Variant Classification Sherloc (09022015). Collection method: clinical testing. Allele origin: germline.
Comment: This sequence change creates a premature translational stop signal (p.Phe247Glnfs*14) in the TGM1 gene. It is expected to result in an absent or disrupted protein product. Loss-of-function variants in TGM1 are known to be pathogenic (PMID: 18948357, 19241467). This variant is not present in population databases (ExAC no frequency). For these reasons, this variant has been classified as Pathogenic. This variant has not been reported in the literature in individuals affected with TGM1-related conditions.

Literature cited by the submitters: PubMed 18948357; PubMed 19241467.

NM_000359.3(TGM1):c.739_740del (p.Phe247fs)

Gene: TGM1 (transglutaminase 1; minus strand). Cytogenetic location: 14q12.
Variant type: Deletion.
Coding change: c.739_740del on transcript NM_000359.3 (MANE Select); coding-DNA positions 739 to 740, 2 bases deleted (TT; older notation c.739_740delTT).
Protein change: p.Phe247fs; shifts the reading frame from phenylalanine 247.
Molecular consequence: frameshift variant.
Genome position (GRCh38, 1-based): chr14:24,260,467-24,260,468, AA deleted on the plus strand (TT on the coding strand, the reverse complement: TGM1 is on the minus strand). VCF-style (leftmost placement, unchanged base first): chr14-24260466-GAA-G. GRCh37 (hg19) VCF-style: chr14-24729672-GAA-G.
Other names: short protein forms F247fs.
Identifiers: ClinVar variation 1396708 (VCV001396708.6), dbSNP rs2139025952, ClinGen allele CA2573149815.
Genomic context (GRCh38, chr14:24,260,466, plus strand): 5'-CTTTCCCTCCCATCTACCCTCTGCTCCAGACCCCAGCTGCTCACCTGGGCACCAGGGGTT[GAA>G]GAGGATGTAGATCTCATTGCGGGGGTCAAAGGGCAACTGGAACTCCCCAGCGTCTGATTG-3'